The following is an entry in ClinVar:

NC_000005.10:g.112707317G>C

Gene: APC (APC regulator of Wnt signaling pathway; plus strand). Cytogenetic location: 5q22.2.
Variant type: single nucleotide variant.
Genome position: GRCh38 VCF-style: chr5-112707317-G-C. GRCh37 (hg19) VCF-style: chr5-112043014-G-C.
Identifiers: ClinVar variation 1369440 (VCV001369440.6), dbSNP rs2149627912, ClinGen allele CA2573138731.
Genomic context (GRCh38, chr5:112,707,317, plus strand): 5'-GATAGATGTTTGCGGAATAATGGACTAGTGTGTGCAGAAGGATCTATTAACTGGGCTGCA[G>C]CACAATTCAGAGAAGGCCAGTAAGTGCTGCAACTGAGACTCGGCTGCCTAGGCAGCAATG-3'

ClinVar aggregate classification (germline): Uncertain significance (1 of 4 stars; one submission).

Conditions:
Familial adenomatous polyposis 1 (FAP1). Also called: FAMILIAL ADENOMATOUS POLYPOSIS 1, ATTENUATED; POLYPOSIS, ADENOMATOUS INTESTINAL. Identifiers: MedGen C2713442, MONDO:0021056, OMIM 175100. Disease mechanism: loss of function.

Submission:

Labcorp Genetics (formerly Invitae), Labcorp
Classification: Uncertain significance for Familial adenomatous polyposis 1. Last evaluated: 2024-04-11. Review status: criteria provided, single submitter. Criteria: Invitae Variant Classification Sherloc (09022015). Collection method: clinical testing. Allele origin: germline.
Comment: This variant occurs in a non-coding region of the APC gene. It does not change the encoded amino acid sequence of the APC protein. This variant is not present in population databases (gnomAD no frequency). This variant has not been reported in the literature in individuals affected with APC-related conditions. Experimental studies and prediction algorithms are not available or were not evaluated, and the functional significance of this variant is currently unknown. In summary, the available evidence is currently insufficient to determine the role of this variant in disease. Therefore, it has been classified as a Variant of Uncertain Significance.